The following is an entry in ClinVar:

NM_080680.3(COL11A2):c.3623C>T (p.Pro1208Leu)

Gene: COL11A2 (collagen type XI alpha 2 chain; minus strand). Cytogenetic location: 6p21.32.
Variant type: single nucleotide variant.
Coding change: c.3623C>T on transcript NM_080680.3 (MANE Select); coding-DNA position 3623, C replaced by T.
Protein change: p.Pro1208Leu; replaces proline 1208 with leucine.
Molecular consequence: missense variant.
Genome position (GRCh38, 1-based): chr6:33,170,060, G>A on the plus strand (C>T on the coding strand, the complement: COL11A2 is on the minus strand). VCF-style: chr6-33170060-G-A. GRCh37 (hg19) VCF-style: chr6-33137837-G-A.
Other names: c.3443C>T, p.Pro1148Leu (NM_001424108.1); c.2777C>T, p.Pro926Leu (NM_001424109.1); c.2597C>T, p.Pro866Leu (NM_001424110.1, NM_001424111.1); c.1577C>T, p.Pro526Leu (NM_001424112.1); c.3302C>T, p.Pro1101Leu (NM_080679.3); c.3365C>T, p.Pro1122Leu (NM_080681.3); short protein forms P1101L, P1122L, P1208L, P926L, P1148L, P526L, P866L.
Identifiers: ClinVar variation 3707932 (VCV003707932.2).

ClinVar aggregate classification (germline): Uncertain significance (1 of 4 stars; one submission).

gnomAD v4.1: 2 of 1,613,054 alleles (0.00012%); highest among the groups gnomAD compares: Non-Finnish European, 0.000085%; no homozygotes.

Submission:

Labcorp Genetics (formerly Invitae), Labcorp
Classification: Uncertain significance. Last evaluated: 2024-06-05. Review status: criteria provided, single submitter. Criteria: Invitae Variant Classification Sherloc (09022015). Collection method: clinical testing. Allele origin: germline.
Comment: This sequence change replaces proline, which is neutral and non-polar, with leucine, which is neutral and non-polar, at codon 1208 of the COL11A2 protein (p.Pro1208Leu). This variant is not present in population databases (gnomAD no frequency). This variant has not been reported in the literature in individuals affected with COL11A2-related conditions. Advanced modeling of protein sequence and biophysical properties (such as structural, functional, and spatial information, amino acid conservation, physicochemical variation, residue mobility, and thermodynamic stability) performed at Invitae indicates that this missense variant is not expected to disrupt COL11A2 protein function with a negative predictive value of 95%. In summary, the available evidence is currently insufficient to determine the role of this variant in disease. Therefore, it has been classified as a Variant of Uncertain Significance.